The following is an entry in ClinVar:

ClinVar aggregate classification (germline): Uncertain significance (1 of 4 stars; one submission).

Conditions:
Hereditary cancer-predisposing syndrome. Also called: Neoplastic Syndromes, Hereditary; Tumor predisposition; Hereditary Cancer Syndrome; Hereditary neoplastic syndrome. Identifiers: Orphanet 140162, MedGen C0027672, MeSH D009386, MONDO:0015356.

Allele frequency attached by ClinVar (database versions not stated): gnomAD below 0.00001 and 0.00001.
gnomAD v4.1: 2 of 1,613,822 alleles (0.00012%); highest among the groups gnomAD compares: South Asian, 0.0022%; no homozygotes.

Submission:

Color Diagnostics, LLC DBA Color Health
Classification: Uncertain significance for Hereditary cancer-predisposing syndrome. Last evaluated: 2023-12-04. Review status: criteria provided, single submitter. Criteria: ACMG Guidelines, 2015. Collection method: clinical testing. Allele origin: germline.
Comment: This missense variant replaces alanine with glutamic acid at codon 406 of the PALB2 protein. Computational prediction suggests that this variant may not impact protein structure and function (internally defined REVEL score threshold <= 0.5, PMID: 27666373). To our knowledge, functional studies have not been reported for this variant. This variant has not been reported in individuals affected with PALB2-related disorders in the literature. This variant has been identified in 1/31400 chromosomes in the general population by the Genome Aggregation Database (gnomAD). The available evidence is insufficient to determine the role of this variant in disease conclusively. Therefore, this variant is classified as a Variant of Uncertain Significance.

NM_024675.4(PALB2):c.1217C>A (p.Ala406Glu)

Gene: PALB2 (partner and localizer of BRCA2; minus strand). Cytogenetic location: 16p12.2.
Variant type: single nucleotide variant.
Coding change: c.1217C>A on transcript NM_024675.4 (MANE Select); coding-DNA position 1217, C replaced by A.
Protein change: p.Ala406Glu; replaces alanine 406 with glutamic acid.
Molecular consequence: missense variant.
Genome position (GRCh38, 1-based): chr16:23,635,329, G>T on the plus strand (C>A on the coding strand, the complement: PALB2 is on the minus strand). VCF-style: chr16-23635329-G-T. GRCh37 (hg19) VCF-style: chr16-23646650-G-T.
Other names: short protein forms A406E.
Identifiers: ClinVar variation 919015 (VCV000919015.4), dbSNP rs1060502757, ClinGen allele CA395133143.